The following is an entry in ClinVar:

ClinVar aggregate classification (germline): Uncertain significance. Review status: criteria provided, multiple submitters, no conflicts (2 of 4 stars). 2 submissions from 2 submitters: Uncertain significance (2). Last evaluated 2024-11-13.

Conditions:
Tietz syndrome (TADS). Also called: ALBINISM-DEAFNESS OF TIETZ; HYPOPIGMENTATION/DEAFNESS OF TIETZ; TIETZ ALBINISM-DEAFNESS SYNDROME. Identifiers: Orphanet 42665, MedGen C0391816, MONDO:0007077, OMIM 103500.
Waardenburg syndrome type 2A (WS2A). Also called: WAARDENBURG SYNDROME WITHOUT DYSTOPIA CANTHORUM. Identifiers: Orphanet 3440, MedGen C1860339, MONDO:0008671, OMIM 193510.
Melanoma, cutaneous malignant, susceptibility to, 8. Also called: MELANOMA AND RENAL CELL CARCINOMA, SUSCEPTIBILITY TO; Cutaneous malignant melanoma 8. Identifiers: Orphanet 293822, MedGen C3152204, MONDO:0013759, OMIM 614456.

gnomAD v4.1: 1 of 1,614,152 alleles (0.000062%); highest among the groups gnomAD compares: South Asian, 0.0011%; no homozygotes.

Submissions (2):

GeneDx
Classification: Uncertain significance. Last evaluated: 2024-11-13. Review status: criteria provided, single submitter. Criteria: GeneDx Variant Classification Process June 2021. Collection method: clinical testing. Allele origin: germline. Affected: yes.
Comment: Not observed at significant frequency in large population cohorts (gnomAD); In silico analysis indicates that this missense variant does not alter protein structure/function; Has not been previously published as pathogenic or benign to our knowledge

Labcorp Genetics (formerly Invitae), Labcorp
Classification: Uncertain significance for Melanoma, cutaneous malignant, susceptibility to, 8; Waardenburg syndrome type 2A; Tietz syndrome. Last evaluated: 2022-10-08. Review status: criteria provided, single submitter. Criteria: Invitae Variant Classification Sherloc (09022015). Collection method: clinical testing. Allele origin: germline.
Comment: This variant has not been reported in the literature in individuals affected with MITF-related conditions. This variant is not present in population databases (gnomAD no frequency). This sequence change replaces threonine, which is neutral and polar, with isoleucine, which is neutral and non-polar, at codon 356 of the MITF protein (p.Thr356Ile). In summary, the available evidence is currently insufficient to determine the role of this variant in disease. Therefore, it has been classified as a Variant of Uncertain Significance. Advanced modeling of protein sequence and biophysical properties (such as structural, functional, and spatial information, amino acid conservation, physicochemical variation, residue mobility, and thermodynamic stability) performed at Invitae indicates that this missense variant is not expected to disrupt MITF protein function.

NM_001354604.2(MITF):c.1388C>T (p.Thr463Ile)

Gene: MITF (melanocyte inducing transcription factor; plus strand). Cytogenetic location: 3p13.
Variant type: single nucleotide variant.
Coding change: c.1388C>T on transcript NM_001354604.2 (MANE Select); coding-DNA position 1388, C replaced by T.
Protein change: p.Thr463Ile; replaces threonine 463 with isoleucine.
Molecular consequence: missense variant.
Genome position (GRCh38, 1-based): chr3:69,965,055, C>T. VCF-style: chr3-69965055-C-T. GRCh37 (hg19) VCF-style: chr3-70014206-C-T.
Other names: c.1067C>T, p.Thr356Ile (NM_000248.4); c.1214C>T, p.Thr405Ile (NM_001184967.2, NM_001354608.2); c.1385C>T, p.Thr462Ile (NM_001354605.2); c.1367C>T, p.Thr456Ile (NM_001354606.2, NM_006722.3); c.1319C>T, p.Thr440Ile (NM_001354607.2); c.1049C>T, p.Thr350Ile (NM_198158.3); c.1370C>T, p.Thr457Ile (NM_198159.3); c.1322C>T, p.Thr441Ile (NM_198177.3); and 1 more; short protein forms T294I, T350I, T356I, T405I, T440I, T441I, T456I, T457I.
Identifiers: ClinVar variation 1721237 (VCV001721237.6), dbSNP rs560808156, ClinGen allele CA353559741.
Genomic context (GRCh38, chr3:69,965,055, plus strand): 5'-CCTGTACAACAACTCTCGATCTCACGGATGGCACCATCACCTTCAACAACAACCTCGGAA[C>T]TGGGACTGAGGCCAACCAAGCCTATAGTGTCCCCACAAAAATGGGATCCAAACTGGAAGA-3'
Protein context (NP_001341533.1, residues 453-473): GTITFNNNLG[Thr463Ile]GTEANQAYSV